The following is an entry in ClinVar:

NM_001377530.1(DMBT1):c.1905T>C (p.Asp635=)

Gene: DMBT1 (deleted in malignant brain tumors 1; plus strand). Cytogenetic location: 10q26.13.
Variant type: single nucleotide variant.
Coding change: c.1905T>C on transcript NM_001377530.1 (MANE Select); coding-DNA position 1905, T replaced by C.
Protein change: p.Asp635=; no amino-acid change (aspartic acid 635 retained).
Molecular consequence: synonymous variant. On other transcripts: intron variant (1).
Genome position (GRCh38, 1-based): chr10:122,589,065, T>C. VCF-style: chr10-122589065-T-C. GRCh37 (hg19) VCF-style: chr10-124348581-T-C.
Other names: c.1905T>C, p.Asp635= (NM_001320644.2, NM_007329.3); c.1875T>C, p.Asp625= (NM_017579.3); c.1420+4714T>C (NM_004406.3).
Identifiers: ClinVar variation 2640922 (VCV002640922.24), dbSNP rs2497861589, ClinGen allele CA471746042.
Genomic context (GRCh38, chr10:122,589,065, plus strand): 5'-GGAGGTCCTATACCGAGGCTCTTGGGGCACCGTGTGTGATGACAGCTGGGACACCAATGA[T>C]GCCAATGTGGTCTGCAGGCAGCTGGGCTGTGGCTGGGCCACGTCAGCCCCAGGAAATGCC-3'
Protein context (NP_001364459.1, residues 625-645): TVCDDSWDTN[Asp635=]ANVVCRQLGC

ClinVar aggregate classification (germline): Likely benign (1 of 4 stars; one submission).

Submission:

CeGaT Center for Human Genetics Tuebingen
Classification: Likely benign. Last evaluated: 2026-05-01. Review status: criteria provided, single submitter. Criteria: CeGaT Center For Human Genetics Tuebingen Variant Classification Criteria Version 2. Collection method: clinical testing. Allele origin: germline. Affected: yes. Observed: 2 variant alleles.
Comment: DMBT1: BP4, BP7